The following is an entry in ClinVar:

ClinVar aggregate classification (germline): Uncertain significance (1 of 4 stars; one submission).

Conditions:
Cryopyrin associated periodic syndrome (CAPS). Identifiers: Orphanet 208650, MedGen C2316212, MONDO:0016168.

Allele frequency attached by ClinVar (database versions not stated): gnomAD exomes below 0.00001; TOPMed below 0.00001; gnomAD 0.00001.
gnomAD v4.1: 2 of 1,614,130 alleles (0.00012%); highest among the groups gnomAD compares: African/African-American, 0.0013%; no homozygotes.

Submission:

Labcorp Genetics (formerly Invitae), Labcorp
Classification: Uncertain significance for Cryopyrin associated periodic syndrome. Last evaluated: 2024-07-13. Review status: criteria provided, single submitter. Criteria: Invitae Variant Classification Sherloc (09022015). Collection method: clinical testing. Allele origin: germline.
Comment: This sequence change replaces aspartic acid, which is acidic and polar, with asparagine, which is neutral and polar, at codon 812 of the NLRP3 protein (p.Asp812Asn). This variant is not present in population databases (gnomAD no frequency). This variant has not been reported in the literature in individuals affected with NLRP3-related conditions. Advanced modeling of protein sequence and biophysical properties (such as structural, functional, and spatial information, amino acid conservation, physicochemical variation, residue mobility, and thermodynamic stability) has been performed at Invitae for this missense variant, however the output from this modeling did not meet the statistical confidence thresholds required to predict the impact of this variant on NLRP3 protein function. In summary, the available evidence is currently insufficient to determine the role of this variant in disease. Therefore, it has been classified as a Variant of Uncertain Significance.

NM_001243133.2(NLRP3):c.2428G>A (p.Asp810Asn)

Gene: NLRP3 (NLR family pyrin domain containing 3; plus strand). Cytogenetic location: 1q44.
Variant type: single nucleotide variant.
Coding change: c.2428G>A on transcript NM_001243133.2 (MANE Select); coding-DNA position 2428, G replaced by A.
Protein change: p.Asp810Asn; replaces aspartic acid 810 with asparagine.
Molecular consequence: missense variant.
Genome position (GRCh38, 1-based): chr1:247,434,209, G>A. VCF-style: chr1-247434209-G-A. GRCh37 (hg19) VCF-style: chr1-247597511-G-A.
Other names: c.2428G>A, p.Asp810Asn (NM_001079821.3, NM_001127461.3); c.2257G>A, p.Asp753Asn (NM_001127462.3, NM_183395.3); c.2434G>A, p.Asp812Asn (NM_004895.5); short protein forms D753N, D810N, D812N.
Identifiers: ClinVar variation 2778726 (VCV002778726.3), dbSNP rs1663614471, ClinGen allele CA345561232.
Genomic context (GRCh38, chr1:247,434,209, plus strand): 5'-TTGGTCCTCAGCAGCAACCAGAAGCTGGTGGAGCTGGACCTGAGTGACAACGCCCTCGGT[G>A]ACTTCGGAATCAGACTTCTGTGTGTGGGACTGAAGCACCTGTTGTGCAATCTGAAGAAGC-3'
Protein context (NP_001230062.1, residues 800-820): ELDLSDNALG[Asp810Asn]FGIRLLCVGL